The following is an entry in ClinVar:

NM_001148.6(ANK2):c.186+18A>G

Gene: ANK2 (ankyrin 2; plus strand). Cytogenetic location: 4q25.
Variant type: single nucleotide variant.
Coding change: c.186+18A>G on transcript NM_001148.6 (MANE Select); 18 bases into the intron after coding-DNA position 186, A replaced by G.
Molecular consequence: intron variant.
Genome position (GRCh38, 1-based): chr4:113,174,535, A>G. VCF-style: chr4-113174535-A-G. GRCh37 (hg19) VCF-style: chr4-114095691-A-G.
Other names: c.174+18A>G (NM_001386186.2, NM_001386148.2, NM_001354269.3 and 1 more transcripts); c.168+18A>G (NM_001386147.1, NM_001386160.1, NM_001354261.2); c.123+18A>G (NM_001354254.2, NM_001354239.2, NM_001354252.2 and 33 more transcripts); c.231+18A>G (NM_001354241.2, NM_001386152.1, NM_001354237.2 and 5 more transcripts); c.186+18A>G (NM_001354225.2, NM_001354235.2, NM_001354246.2 and 9 more transcripts); c.237+18A>G (NM_001386174.1, NM_001386175.1).
Identifiers: ClinVar variation 383151 (VCV000383151.5), dbSNP rs1057521531, ClinGen allele CA16605019.

ClinVar aggregate classification (germline): Likely benign. Review status: criteria provided, multiple submitters, no conflicts (2 of 4 stars). 2 submissions from 2 submitters: Likely benign (2). Last evaluated 2022-10-13.

Conditions:
Long QT syndrome (LQTS). Identifiers: MedGen C0023976, MeSH D008133, MONDO:0002442. Disease mechanism: loss of function. Inheritance: Various modes of inheritance.

Allele frequency attached by ClinVar (database versions not stated): gnomAD 0.00001; gnomAD exomes below 0.00001; TOPMed 0.00001.
gnomAD v4.1: 4 of 1,550,942 alleles (0.00026%); highest among the groups gnomAD compares: Admixed American, 0.0017%; no homozygotes.

Submissions (2):

Labcorp Genetics (formerly Invitae), Labcorp
Classification: Likely benign for Long QT syndrome. Last evaluated: 2022-10-13. Review status: criteria provided, single submitter. Criteria: Invitae Variant Classification Sherloc (09022015). Collection method: clinical testing. Allele origin: germline.

GeneDx
Classification: Likely benign. Last evaluated: 2016-01-15. Review status: criteria provided, single submitter. Criteria: GeneDx Variant Classification (06012015). Collection method: clinical testing. Allele origin: germline. Affected: yes.
Comment: This variant is considered likely benign or benign based on one or more of the following criteria: it is a conservative change, it occurs at a poorly conserved position in the protein, it is predicted to be benign by multiple in silico algorithms, and/or has population frequency not consistent with disease.